The following is an entry in ClinVar:

NM_001844.5(COL2A1):c.2641A>T (p.Thr881Ser)

Gene: COL2A1 (collagen type II alpha 1 chain; minus strand). Cytogenetic location: 12q13.11.
Variant type: single nucleotide variant.
Coding change: c.2641A>T on transcript NM_001844.5 (MANE Select); coding-DNA position 2641, A replaced by T.
Protein change: p.Thr881Ser; replaces threonine 881 with serine.
Molecular consequence: missense variant.
Genome position (GRCh38, 1-based): chr12:47,980,047, T>A on the plus strand (A>T on the coding strand, the complement: COL2A1 is on the minus strand). VCF-style: chr12-47980047-T-A. GRCh37 (hg19) VCF-style: chr12-48373830-T-A.
Other names: c.2434A>T, p.Thr812Ser (NM_033150.3); short protein forms T881S, T812S.
Identifiers: ClinVar variation 2838964 (VCV002838964.3), dbSNP rs1370767780, ClinGen allele CA384544290.

ClinVar aggregate classification (germline): Uncertain significance (1 of 4 stars; one submission).

Submission:

Labcorp Genetics (formerly Invitae), Labcorp
Classification: Uncertain significance. Last evaluated: 2023-06-25. Review status: criteria provided, single submitter. Criteria: Invitae Variant Classification Sherloc (09022015). Collection method: clinical testing. Allele origin: germline.
Comment: In summary, the available evidence is currently insufficient to determine the role of this variant in disease. Therefore, it has been classified as a Variant of Uncertain Significance. Advanced modeling of protein sequence and biophysical properties (such as structural, functional, and spatial information, amino acid conservation, physicochemical variation, residue mobility, and thermodynamic stability) performed at Invitae indicates that this missense variant is not expected to disrupt COL2A1 protein function. This variant has not been reported in the literature in individuals affected with COL2A1-related conditions. This variant is not present in population databases (gnomAD no frequency). This sequence change replaces threonine, which is neutral and polar, with serine, which is neutral and polar, at codon 881 of the COL2A1 protein (p.Thr881Ser).